The following is an entry in ClinVar:

NM_001349253.2(SCN11A):c.2385G>A (p.Thr795=)

Gene: SCN11A (sodium voltage-gated channel alpha subunit 11; minus strand). Cytogenetic location: 3p22.2.
Variant type: single nucleotide variant.
Coding change: c.2385G>A on transcript NM_001349253.2 (MANE Select); coding-DNA position 2385, G replaced by A.
Protein change: p.Thr795=; no amino-acid change (threonine 795 retained).
Molecular consequence: synonymous variant.
Genome position (GRCh38, 1-based): chr3:38,896,863, C>T on the plus strand (G>A on the coding strand, the complement: SCN11A is on the minus strand). VCF-style: chr3-38896863-C-T. GRCh37 (hg19) VCF-style: chr3-38938354-C-T.
Other names: c.2385G>A (NM_014139.2); c.2385G>A, p.Thr795= (NM_014139.3).
Identifiers: ClinVar variation 2038160 (VCV002038160.5), dbSNP rs759245284, ClinGen allele CA2322071.

ClinVar aggregate classification (germline): Likely benign. Review status: criteria provided, multiple submitters, no conflicts (2 of 4 stars). 2 submissions from 2 submitters: Likely benign (2). Last evaluated 2025-11-19.

Conditions:
Hereditary sensory and autonomic neuropathy type 7. Also called: Neuropathy, hereditary sensory and autonomic, type VII; HSAN VII. Identifiers: Orphanet 391397, MedGen C3809882, MONDO:0014244, OMIM 615548.
Familial episodic pain syndrome with predominantly lower limb involvement. Also called: Episodic pain syndrome, familial, 3. Identifiers: Orphanet 391384, Orphanet 391392, MedGen C3809899, MONDO:0014247, OMIM 615552.
SCN11A-related disorder. Also called: SCN11A-related condition.

Allele frequency attached by ClinVar (database versions not stated): TOPMed 0.00001; gnomAD 0.00002; gnomAD exomes 0.00002; ExAC 0.00010.
gnomAD v4.1: 32 of 1,577,010 alleles (0.002%); highest among the groups gnomAD compares: South Asian, 0.021%; no homozygotes.

Submissions (2):

PreventionGenetics, part of Exact Sciences
Classification: Likely benign for SCN11A-related condition. Last evaluated: 2025-11-19. Review status: criteria provided, single submitter. Criteria: ACMG Guidelines, 2015. Collection method: clinical testing. Allele origin: germline.
Comment: This variant is classified as likely benign based on ACMG/AMP sequence variant interpretation guidelines (Richards et al. 2015 PMID: 25741868, with internal and published modifications).

Labcorp Genetics (formerly Invitae), Labcorp
Classification: Likely benign for Familial episodic pain syndrome with predominantly lower limb involvement; Hereditary sensory and autonomic neuropathy type 7. Last evaluated: 2024-02-02. Review status: criteria provided, single submitter. Criteria: Invitae Variant Classification Sherloc (09022015). Collection method: clinical testing. Allele origin: germline.